The following is an entry in ClinVar:

ClinVar aggregate classification (germline): Uncertain significance (1 of 4 stars; one submission).

Conditions:
Tuberous sclerosis 1 (TSC1). Identifiers: Orphanet 805, MedGen C1854465, MONDO:0008612, OMIM 191100.

Submission:

Labcorp Genetics (formerly Invitae), Labcorp
Classification: Uncertain significance for Tuberous sclerosis 1. Last evaluated: 2023-12-05. Review status: criteria provided, single submitter. Criteria: Invitae Variant Classification Sherloc (09022015). Collection method: clinical testing. Allele origin: germline.
Comment: This sequence change replaces threonine, which is neutral and polar, with serine, which is neutral and polar, at codon 899 of the TSC1 protein (p.Thr899Ser). This variant is not present in population databases (gnomAD no frequency). This missense change has been observed in individual(s) with clinical features of tuberous sclerosis complex (PMID: 10570911, 23389244). ClinVar contains an entry for this variant (Variation ID: 1924644). Advanced modeling of protein sequence and biophysical properties (such as structural, functional, and spatial information, amino acid conservation, physicochemical variation, residue mobility, and thermodynamic stability) performed at Invitae indicates that this missense variant is not expected to disrupt TSC1 protein function with a negative predictive value of 95%. Experimental studies have shown that this missense change does not substantially affect TSC1 function (PMID: 21309039). In summary, the available evidence is currently insufficient to determine the role of this variant in disease. Therefore, it has been classified as a Variant of Uncertain Significance.

Literature cited by the submitters: PubMed 10570911; PubMed 23389244; PubMed 21309039.

NM_000368.5(TSC1):c.2695A>T (p.Thr899Ser)

Gene: TSC1 (TSC complex subunit 1; minus strand). Cytogenetic location: 9q34.13.
Variant type: single nucleotide variant.
Coding change: c.2695A>T on transcript NM_000368.5 (MANE Select); coding-DNA position 2695, A replaced by T.
Protein change: p.Thr899Ser; replaces threonine 899 with serine.
Molecular consequence: missense variant.
Genome position (GRCh38, 1-based): chr9:132,897,541, T>A on the plus strand (A>T on the coding strand, the complement: TSC1 is on the minus strand). VCF-style: chr9-132897541-T-A. GRCh37 (hg19) VCF-style: chr9-135772928-T-A.
Other names: c.2692A>T, p.Thr898Ser (NM_001406598.1, NM_001406599.1, NM_001406600.1 and 2 more transcripts); c.2680A>T, p.Thr894Ser (NM_001406601.1, NM_001406602.1); c.2677A>T, p.Thr893Ser (NM_001406603.1, NM_001406604.1); c.2653A>T, p.Thr885Ser (NM_001406605.1, NM_001406606.1, NM_001406607.1); c.2332A>T, p.Thr778Ser (NM_001406617.1, NM_001406618.1, NM_001406619.1 and 4 more transcripts); c.2329A>T, p.Thr777Ser (NM_001406620.1, NM_001406621.1, NM_001406622.1 and 1 more transcripts); c.2290A>T, p.Thr764Ser (NM_001406624.1); c.2287A>T, p.Thr763Ser (NM_001406625.1); and 8 more; short protein forms T548S, T581S, T833S, T847S, T898S, T777S, T899S, T778S.
Identifiers: ClinVar variation 1924644 (VCV001924644.5), dbSNP rs2538494185, ClinGen allele CA375369440.